The following is an entry in ClinVar:

NM_001376.5(DYNC1H1):c.2934C>G (p.Cys978Trp)

Genes: DYNC1H1 (dynein cytoplasmic 1 heavy chain 1; plus strand), LOC130056502 (ATAC-STARR-seq lymphoblastoid active region 9063; plus strand). Cytogenetic location: 14q32.31.
Variant type: single nucleotide variant.
Coding change: c.2934C>G on transcript NM_001376.5 (MANE Select); coding-DNA position 2934, C replaced by G.
Protein change: p.Cys978Trp; replaces cysteine 978 with tryptophan.
Molecular consequence: missense variant.
Genome position (GRCh38, 1-based): chr14:101,991,592, C>G. VCF-style: chr14-101991592-C-G. GRCh37 (hg19) VCF-style: chr14-102457929-C-G.
Other names: short protein forms C978W.
Identifiers: ClinVar variation 4802042 (VCV004802042.1).

ClinVar aggregate classification (germline): Uncertain significance (1 of 4 stars; one submission).

Conditions:
Charcot-Marie-Tooth disease axonal type 2O. Also called: CHARCOT-MARIE-TOOTH NEUROPATHY, AXONAL, TYPE 2O; CHARCOT-MARIE-TOOTH DISEASE, AXONAL, AUTOSOMAL DOMINANT, TYPE 2O; Charcot-Marie-Tooth Neuropathy Type 2O; Charcot-Marie-Tooth disease, axonal, type 20. Identifiers: Orphanet 284232, MedGen C3280220, MONDO:0013644, OMIM 614228.

Submission:

Labcorp Genetics (formerly Invitae), Labcorp
Classification: Uncertain significance for Charcot-Marie-Tooth disease axonal type 2O. Last evaluated: 2025-02-04. Review status: criteria provided, single submitter. Criteria: Invitae Variant Classification Sherloc (09022015). Collection method: clinical testing. Allele origin: germline.
Comment: This sequence change replaces cysteine, which is neutral and slightly polar, with tryptophan, which is neutral and slightly polar, at codon 978 of the DYNC1H1 protein (p.Cys978Trp). This variant is not present in population databases (gnomAD no frequency). This variant has not been reported in the literature in individuals affected with DYNC1H1-related conditions. Invitae Evidence Modeling of protein sequence and biophysical properties (such as structural, functional, and spatial information, amino acid conservation, physicochemical variation, residue mobility, and thermodynamic stability) has been performed for this missense variant. However, the output from this modeling did not meet the statistical confidence thresholds required to predict the impact of this variant on DYNC1H1 protein function. In summary, the available evidence is currently insufficient to determine the role of this variant in disease. Therefore, it has been classified as a Variant of Uncertain Significance.